The following is an entry in ClinVar:

ClinVar aggregate classification (germline): Likely benign (1 of 4 stars; one submission).

Conditions:
ABCC2-related disorder. Also called: ABCC2-related condition.

Submission:

PreventionGenetics, part of Exact Sciences
Classification: Likely benign for ABCC2-related condition. Last evaluated: 2026-07-24. Review status: criteria provided, single submitter. Criteria: ACMG Guidelines, 2015. Collection method: clinical testing. Allele origin: germline.
Comment: This variant is classified as likely benign based on ACMG/AMP sequence variant interpretation guidelines (Richards et al. 2015 PMID: 25741868, with internal and published modifications).

NM_000392.5(ABCC2):c.4062C>G (p.Ala1354=)

Gene: ABCC2 (ATP binding cassette subfamily C member 2; plus strand). Cytogenetic location: 10q24.2.
Variant type: single nucleotide variant.
Coding change: c.4062C>G on transcript NM_000392.5 (MANE Select); coding-DNA position 4062, C replaced by G.
Protein change: p.Ala1354=; no amino-acid change (alanine 1354 retained).
Molecular consequence: synonymous variant.
Genome position (GRCh38, 1-based): chr10:99,845,698, C>G. VCF-style: chr10-99845698-C-G. GRCh37 (hg19) VCF-style: chr10-101605455-C-G.
Identifiers: ClinVar variation 4992382 (VCV004992382.1).